The following is an entry in ClinVar:

NM_001365276.2(TNXB):c.9823T>C (p.Ser3275Pro)

Gene: TNXB (tenascin XB; minus strand). Cytogenetic location: 6p21.33.
Variant type: single nucleotide variant.
Coding change: c.9823T>C on transcript NM_001365276.2 (MANE Select); coding-DNA position 9823, T replaced by C.
Protein change: p.Ser3275Pro; replaces serine 3275 with proline.
Molecular consequence: missense variant.
Genome position (GRCh38, 1-based): chr6:32,048,585, A>G on the plus strand (T>C on the coding strand, the complement: TNXB is on the minus strand). VCF-style: chr6-32048585-A-G. GRCh37 (hg19) VCF-style: chr6-32016362-A-G.
Other names: c.10564T>C, p.Ser3522Pro (NM_001428335.1); c.9817T>C, p.Ser3273Pro (NM_019105.8); short protein forms S3273P, S3275P, S3522P.
Identifiers: ClinVar variation 4534833 (VCV004534833.6).

ClinVar aggregate classification (germline): Uncertain significance (1 of 4 stars; one submission).

Submission:

CeGaT Center for Human Genetics Tuebingen
Classification: Uncertain significance. Last evaluated: 2025-10-01. Review status: criteria provided, single submitter. Criteria: CeGaT Center For Human Genetics Tuebingen Variant Classification Criteria Version 2. Collection method: clinical testing. Allele origin: germline. Affected: yes. Observed: 1 variant allele.
Comment: TNXB: PM2, BP4